The following is an entry in ClinVar:

NM_170707.4(LMNA):c.778AAG[1] (p.Lys261del)

Gene: LMNA (lamin A/C; plus strand). Cytogenetic location: 1q22.
Variant type: Microsatellite.
Coding change: c.778AAG[1] on transcript NM_170707.4 (MANE Select); one copy of the 3-base unit AAG starting at c.778; the reference has two copies in a row; one copy, 3 bases deleted.
Protein change: p.Lys261del; deletes lysine 261.
Molecular consequence: inframe deletion.
Genome position (GRCh38, 1-based): chr1:156,134,946-156,134,948, AAG deleted; deleting any 3 consecutive bases within chr1:156,134,943-156,134,948 gives the same sequence; the position shown is the placement nearest the transcript's 3' end. VCF-style (leftmost placement, unchanged base first): chr1-156134942-TAAG-T. GRCh37 (hg19) VCF-style: chr1-156104733-TAAG-T.
Other names: c.442AAG[1], p.Lys149del (NM_001257374.3); c.535AAG[1], p.Lys180del (NM_001282624.2); c.778AAG[1], p.Lys261del (NM_001282625.2, NM_001282626.2, NM_005572.4 and 1 more transcripts); short protein forms K261del, K180del, K149del.
Identifiers: ClinVar variation 48080 (VCV000048080.20), dbSNP rs58978449, ClinGen allele CA018627.

ClinVar aggregate classification (germline): Pathogenic/Likely pathogenic. Review status: criteria provided, multiple submitters, no conflicts (2 of 4 stars). 6 submissions from 6 submitters: Pathogenic (2); Likely pathogenic (3). 1 of the submissions does not count toward it. Last evaluated 2023-04-20.

Conditions:
Cardiovascular phenotype. Identifiers: MedGen CN230736.
Charcot-Marie-Tooth disease type 2. Also called: Charcot-Marie-Tooth type 2. Identifiers: Orphanet 64746, MedGen C0270914, MONDO:0018993.
Primary dilated cardiomyopathy (DCM). Also called: Dilated Cardiomyopathy. Identifiers: Orphanet 217604, MedGen C0007193, MeSH D002311, MONDO:0005021, HP:0001644. Inheritance: Various modes of inheritance.

Submissions (6):

Ambry Genetics
Classification: Likely pathogenic for Cardiovascular phenotype. Last evaluated: 2023-04-20. Review status: criteria provided, single submitter. Criteria: Ambry Variant Classification Scheme 2023. Collection method: clinical testing. Allele origin: germline.
Comment: The c.781_783delAAG variant (also known as p.K261del) is located in coding exon 4 of the LMNA gene. This variant results from an in-frame AAG deletion at nucleotide positions 781 to 783. This results in the in-frame deletion of a lysine at codon 261. This alteration has been reported in subjects with LMNA-associated disease and has been reported as de novo (Felice KJ et al. Neurology, 2000 Jul;55:275-80; Bonne G et al. Ann Neurol, 2000 Aug;48:170-80; Brown CA et al. Am J Med Genet, 2001 Sep;102:359-67; Ben Yaou R et al. Brain Commun, 2021 Jul;3:fcab075). This variant is also considered to be rare based on population cohorts in the Genome Aggregation Database (gnomAD). This amino acid position is not well conserved in available vertebrate species. In addition, this alteration is predicted to be deleterious by in silico analysis (Choi Y et al. PLoS ONE. 2012; 7(10):e46688). Based on the majority of available evidence to date, this variant is likely to be pathogenic.

Labcorp Genetics (formerly Invitae), Labcorp
Classification: Pathogenic for Charcot-Marie-Tooth disease type 2. Last evaluated: 2023-03-11. Review status: criteria provided, single submitter. Criteria: Invitae Variant Classification Sherloc (09022015). Collection method: clinical testing. Allele origin: germline.
Comment: For these reasons, this variant has been classified as Pathogenic. Experimental studies have shown that this variant affects LMNA function (PMID: 22068161). Algorithms developed to predict the effect of variants on protein structure and function are not available or were not evaluated for this variant. ClinVar contains an entry for this variant (Variation ID: 48080). This variant has been observed in individuals with autosomal dominant LMNA-related conditions (PMID: 10908904, 10939567, 11503164, 22068161). It has also been observed to segregate with disease in related individuals. This variant is not present in population databases (gnomAD no frequency). This variant, c.781_783del, results in the deletion of 1 amino acid(s) of the LMNA protein (p.Lys261del), but otherwise preserves the integrity of the reading frame.

GeneDx
Classification: Pathogenic. Last evaluated: 2018-12-04. Review status: criteria provided, single submitter. Criteria: GeneDx Variant Classification (06012015). Collection method: clinical testing. Allele origin: germline. Affected: yes.
Comment: The c.781_783delAAG pathogenic variant has been reported in multiple individuals with autosomal dominant Emery Dreifuss muscular dytrophy, including as a de novo change (Bonne et al., 2000, Rudenskaya et al., 2008, Rankin et al., 2006). The c.781_783delAAG variant is not observed in large population cohorts (Lek et al., 2016; 1000 Genomes Consortium et al., 2015; Exome Variant Server). The c.781_783delAAG variant results in an in-frame deletion of a single Lysine residue, denoted p.Lys261del. This varaint occurs at a position that is conserved across species. Therefore, based on the currently available information, we interpret c.781_783delAAG as a pathogenic variant, and its presence is consistent with an LMNA-related disorder in this individual.

Eurofins Ntd Llc (ga)
Classification: Likely pathogenic. Last evaluated: 2017-04-27. Review status: criteria provided, single submitter. Criteria: EGL Classification Definitions 2015. Collection method: clinical testing. Allele origin: germline. Observed: 1 variant allele, 1 heterozygote.

Laboratory for Molecular Medicine, Mass General Brigham Personalized Medicine
Classification: Likely pathogenic for Primary dilated cardiomyopathy. Last evaluated: 2011-05-18. Review status: criteria provided, single submitter. Criteria: LMM Criteria. Collection method: clinical testing. Allele origin: germline. Observed: 1 variant allele.
Comment: The Lys261del variant has been reported in 2 individuals with a clinical diagnos is and family history of Emery-Dreifuss muscular dystrophy. The variant was abse nt from over 680 control chromosomes, supporting a pathogenic role (Bonne 2000, Brown 2001, Felice 2000).

Epithelial Biology;  Institute of Medical Biology, Singapore
No classification provided. Review status: no classification provided. Collection method: not provided. Allele origin: not provided. Not counted in ClinVar's aggregate classification.

Literature cited by the submitters: PubMed 10908904 (cited by 4 submitters); PubMed 10939567 (cited by 4 submitters); PubMed 11503164 (cited by 4 submitters); PubMed 18564364 (cited by Ambry Genetics and Eurofins Ntd Llc (ga)); PubMed 32571898 (cited by Ambry Genetics); PubMed 34240052 (cited by Ambry Genetics); PubMed 22068161 (cited by Labcorp Genetics (formerly Invitae), Labcorp).